The following is an entry in ClinVar:

NM_001267550.2(TTN):c.50467_50468del (p.Gln16823fs)

Genes: TTN-AS1 (TTN antisense RNA 1; plus strand), TTN (titin; minus strand). Cytogenetic location: 2q31.2.
Variant type: Deletion.
Coding change: c.50467_50468del on transcript NM_001267550.2 (MANE Select); coding-DNA positions 50467 to 50468, 2 bases deleted (CA; older notation c.50467_50468delCA).
Protein change: p.Gln16823fs; shifts the reading frame from glutamine 16823.
Molecular consequence: frameshift variant.
Genome position (GRCh38, 1-based): chr2:178,611,841-178,611,842, TG deleted on the plus strand (CA on the coding strand, the reverse complement: TTN is on the minus strand). VCF-style (leftmost placement, unchanged base first): chr2-178611840-CTG-C. GRCh37 (hg19) VCF-style: chr2-179476567-CTG-C.
Other names: c.45544_45545del, p.Gln15182fs (NM_001256850.1); c.23272_23273del, p.Gln7758fs (NM_003319.4); c.42763_42764del, p.Gln14255fs (NM_133378.4); c.23647_23648del, p.Gln7883fs (NM_133432.3); c.23848_23849del, p.Gln7950fs (NM_133437.4); short protein forms Q14255fs, Q15182fs, Q16823fs, Q7758fs, Q7883fs, Q7950fs.
Identifiers: ClinVar variation 1809798 (VCV001809798.25), dbSNP rs2470511116, ClinGen allele CA2573332737.

ClinVar aggregate classification (germline): Likely pathogenic. Review status: criteria provided, multiple submitters, no conflicts (2 of 4 stars). 2 submissions from 2 submitters: Likely pathogenic (2). Last evaluated 2024-07-02.

Conditions:
Dilated cardiomyopathy 1G (CMD1G). Identifiers: Orphanet 154, MedGen C1858763, MONDO:0011400, OMIM 604145.
Autosomal recessive limb-girdle muscular dystrophy type 2J (LGMDR10). Also called: MUSCULAR DYSTROPHY, LIMB-GIRDLE, AUTOSOMAL RECESSIVE 10; Limb-girdle muscular dystrophy, type 2J. Identifiers: Orphanet 140922, MedGen C1837342, MONDO:0012127, OMIM 608807.
Primary dilated cardiomyopathy (DCM). Also called: Dilated Cardiomyopathy. Identifiers: Orphanet 217604, MedGen C0007193, MeSH D002311, MONDO:0005021, HP:0001644. Inheritance: Various modes of inheritance.

Submissions (2):

Labcorp Genetics (formerly Invitae), Labcorp
Classification: Likely pathogenic for Dilated cardiomyopathy 1G; Autosomal recessive limb-girdle muscular dystrophy type 2J. Last evaluated: 2024-07-02. Review status: criteria provided, single submitter. Criteria: Invitae Variant Classification Sherloc (09022015). Collection method: clinical testing. Allele origin: germline.
Comment: This sequence change creates a premature translational stop signal (p.Gln16823Valfs*6) in the TTN gene. While this is not anticipated to result in nonsense mediated decay, it is expected to create a truncated TTN protein. This variant is not present in population databases (gnomAD no frequency). This variant has not been reported in the literature in individuals affected with TTN-related conditions. ClinVar contains an entry for this variant (Variation ID: 1809798). This variant is located in the A band of TTN (PMID: 25589632). Truncating variants in this region are significantly overrepresented in patients affected with dilated cardiomyopathy (PMID: 25589632). Truncating variants in this region have also been reported in individuals affected with autosomal recessive centronuclear myopathy (PMID: 23975875). In summary, the currently available evidence indicates that the variant is pathogenic, but additional data are needed to prove that conclusively. Therefore, this variant has been classified as Likely Pathogenic.

Center for Human Genetics, University of Leuven
Classification: Likely pathogenic for Primary dilated cardiomyopathy. Last evaluated: 2022-12-31. Review status: criteria provided, single submitter. Criteria: ACMG Guidelines, 2015. Collection method: clinical testing. Allele origin: germline. Affected: yes.

Literature cited by the submitters: PubMed 25589632 (cited by Labcorp Genetics (formerly Invitae), Labcorp); PubMed 23975875 (cited by Labcorp Genetics (formerly Invitae), Labcorp).